The following is an entry in ClinVar:

ClinVar aggregate classification (germline): Uncertain significance (1 of 4 stars; one submission).

Conditions:
DICER1-related tumor predisposition. Also called: DICER1-related pleuropulmonary blastoma cancer predisposition syndrome; DICER1 syndrome. Identifiers: Orphanet 284343, MedGen C3839822, MONDO:0100216.

Submission:

Labcorp Genetics (formerly Invitae), Labcorp
Classification: Uncertain significance for DICER1-related tumor predisposition. Last evaluated: 2023-09-30. Review status: criteria provided, single submitter. Criteria: Invitae Variant Classification Sherloc (09022015). Collection method: clinical testing. Allele origin: germline.
Comment: In summary, the available evidence is currently insufficient to determine the role of this variant in disease. Therefore, it has been classified as a Variant of Uncertain Significance. Advanced modeling of protein sequence and biophysical properties (such as structural, functional, and spatial information, amino acid conservation, physicochemical variation, residue mobility, and thermodynamic stability) performed at Invitae indicates that this missense variant is expected to disrupt DICER1 protein function. This variant has not been reported in the literature in individuals affected with DICER1-related conditions. This variant is not present in population databases (gnomAD no frequency). This sequence change replaces cysteine, which is neutral and slightly polar, with glycine, which is neutral and non-polar, at codon 177 of the DICER1 protein (p.Cys177Gly).

NM_177438.3(DICER1):c.529T>G (p.Cys177Gly)

Gene: DICER1 (dicer 1, ribonuclease III; minus strand). Cytogenetic location: 14q32.13.
Variant type: single nucleotide variant.
Coding change: c.529T>G on transcript NM_177438.3 (MANE Select); coding-DNA position 529, T replaced by G.
Protein change: p.Cys177Gly; replaces cysteine 177 with glycine.
Molecular consequence: missense variant. On other transcripts: 5 prime UTR variant (1), non-coding transcript variant (6), intron variant (1).
Genome position (GRCh38, 1-based): chr14:95,130,102, A>C on the plus strand (T>G on the coding strand, the complement: DICER1 is on the minus strand). VCF-style: chr14-95130102-A-C. GRCh37 (hg19) VCF-style: chr14-95596439-A-C.
Other names: c.-1040T>G (NM_001395697.1); c.124T>G, p.Cys42Gly (NM_001395698.1, NM_001395687.1, NM_001395688.1 and 3 more transcripts); c.529T>G, p.Cys177Gly (NM_001395699.1, NM_001395700.1, NM_030621.4 and 15 more transcripts); c.247T>G, p.Cys83Gly (NM_001395686.1); c.-20-19T>G (NM_001395691.1); short protein forms C42G, C83G, C177G.
Identifiers: ClinVar variation 2764503 (VCV002764503.3), dbSNP rs1893825454, ClinGen allele CA390888419.